The following is an entry in ClinVar:

NM_000246.4(CIITA):c.2117T>G (p.Leu706Arg)

Gene: CIITA (class II major histocompatibility complex transactivator; plus strand). Cytogenetic location: 16p13.13.
Variant type: single nucleotide variant.
Coding change: c.2117T>G on transcript NM_000246.4 (MANE Select); coding-DNA position 2117, T replaced by G.
Protein change: p.Leu706Arg; replaces leucine 706 with arginine.
Molecular consequence: missense variant. On other transcripts: intron variant (1).
Genome position (GRCh38, 1-based): chr16:10,907,609, T>G. VCF-style: chr16-10907609-T-G. GRCh37 (hg19) VCF-style: chr16-11001466-T-G.
Other names: c.2120T>G, p.Leu707Arg (NM_001286402.1, NM_001379332.1); c.1973T>G, p.Leu658Arg (NM_001379330.1); c.1970T>G, p.Leu657Arg (NM_001379331.1); c.2117T>G, p.Leu706Arg (NM_001379333.1); c.2048T>G, p.Leu683Arg (NM_001379334.1); c.860-1374T>G (NM_001286403.2); short protein forms L657R, L683R, L658R, L707R, L706R.
Identifiers: ClinVar variation 1431624 (VCV001431624.6), dbSNP rs1476149752, ClinGen allele CA394732418.

ClinVar aggregate classification (germline): Uncertain significance (1 of 4 stars; one submission).

Conditions:
MHC class II deficiency. Also called: BLS, TYPE II; Bare lymphocyte syndrome 2. Identifiers: Orphanet 572, MedGen C5447452, MONDO:0008855.

Allele frequency attached by ClinVar (database versions not stated): gnomAD exomes below 0.00001.
gnomAD v4.1: 1 of 1,614,228 alleles (0.000062%); highest among the groups gnomAD compares: Admixed American, 0.0017%; no homozygotes.

Submission:

Labcorp Genetics (formerly Invitae), Labcorp
Classification: Uncertain significance for MHC class II deficiency. Last evaluated: 2021-10-13. Review status: criteria provided, single submitter. Criteria: Invitae Variant Classification Sherloc (09022015). Collection method: clinical testing. Allele origin: germline.
Comment: In summary, the available evidence is currently insufficient to determine the role of this variant in disease. Therefore, it has been classified as a Variant of Uncertain Significance. Algorithms developed to predict the effect of missense changes on protein structure and function are either unavailable or do not agree on the potential impact of this missense change (SIFT: "Tolerated"; PolyPhen-2: "Possibly Damaging"; Align-GVGD: "Class C0"). This variant has not been reported in the literature in individuals affected with CIITA-related conditions. This variant is not present in population databases (ExAC no frequency). This sequence change replaces leucine with arginine at codon 706 of the CIITA protein (p.Leu706Arg). The leucine residue is moderately conserved and there is a moderate physicochemical difference between leucine and arginine.